The following is an entry in ClinVar:

NM_024312.5(GNPTAB):c.484del (p.His162fs)

Gene: GNPTAB (N-acetylglucosamine-1-phosphate transferase subunits alpha and beta; minus strand). Cytogenetic location: 12q23.2.
Variant type: Deletion.
Coding change: c.484del on transcript NM_024312.5 (MANE Select); coding-DNA position 484, one base deleted (C; older notation c.484delC).
Protein change: p.His162fs; shifts the reading frame from histidine 162.
Molecular consequence: frameshift variant.
Genome position (GRCh38, 1-based): chr12:101,786,099, G deleted on the plus strand (C on the coding strand, the reverse complement: GNPTAB is on the minus strand). VCF-style (leftmost placement, unchanged base first): chr12-101786098-TG-T. GRCh37 (hg19) VCF-style: chr12-102179876-TG-T.
Other names: short protein forms H162fs.
Identifiers: ClinVar variation 2031775 (VCV002031775.4), dbSNP rs2547970528, ClinGen allele CA2580085646.

ClinVar aggregate classification (germline): Pathogenic (1 of 4 stars; one submission).

Conditions:
Pseudo-Hurler polydystrophy. Also called: MUCOLIPIDOSIS IIIA; ML III; ML III ALPHA/BETA; Type III Mucolipidosis; ML IIIA; Mucolipidosis III Alpha/Beta. Identifiers: Orphanet 423461, Orphanet 577, MedGen C0033788, MONDO:0018931, OMIM 252600.
Mucolipidosis type II. Also called: Mucolipidosis II Alpha/Beta; ML II ALPHA/BETA; Mucolipidosis 2; ML 2; Inclusion cell disease; Leroy Disease. Identifiers: Orphanet 576, MedGen C2673377, MONDO:0009650, OMIM 252500.

Submission:

Labcorp Genetics (formerly Invitae), Labcorp
Classification: Pathogenic for Pseudo-Hurler polydystrophy; Mucolipidosis type II. Last evaluated: 2022-09-22. Review status: criteria provided, single submitter. Criteria: Invitae Variant Classification Sherloc (09022015). Collection method: clinical testing. Allele origin: germline.
Comment: This variant has not been reported in the literature in individuals affected with GNPTAB-related conditions. For these reasons, this variant has been classified as Pathogenic. This variant is not present in population databases (gnomAD no frequency). This sequence change creates a premature translational stop signal (p.His162Ilefs*51) in the GNPTAB gene. It is expected to result in an absent or disrupted protein product. Loss-of-function variants in GNPTAB are known to be pathogenic (PMID: 19617216, 25107912).

Literature cited by the submitters: PubMed 19617216; PubMed 25107912.